The following is an entry in ClinVar:

NM_001458.5(FLNC):c.6620T>C (p.Val2207Ala)

Genes: FLNC-AS1 (FLNC antisense RNA 1; minus strand), FLNC (filamin C; plus strand). Cytogenetic location: 7q32.1.
Variant type: single nucleotide variant.
Coding change: c.6620T>C on transcript NM_001458.5 (MANE Select); coding-DNA position 6620, T replaced by C.
Protein change: p.Val2207Ala; replaces valine 2207 with alanine.
Molecular consequence: missense variant.
Genome position (GRCh38, 1-based): chr7:128,854,109, T>C. VCF-style: chr7-128854109-T-C. GRCh37 (hg19) VCF-style: chr7-128494163-T-C.
Other names: c.6521T>C, p.Val2174Ala (NM_001127487.2); short protein forms V2207A, V2174A.
Identifiers: ClinVar variation 2085247 (VCV002085247.4), dbSNP rs2536663884, ClinGen allele CA369212941.

ClinVar aggregate classification (germline): Uncertain significance (1 of 4 stars; one submission).

Conditions:
Distal myopathy with posterior leg and anterior hand involvement. Also called: WILLIAMS DISTAL MYOPATHY. Identifiers: Orphanet 63273, MedGen C3279722, MONDO:0013550, OMIM 614065.
Hypertrophic cardiomyopathy 26. Also called: Cardiomyopathy, familial hypertrophic, 26. Identifiers: Orphanet 75249, MedGen C4310749, MONDO:0014883, OMIM 617047.
Myofibrillar myopathy 5. Also called: Filaminopathy (type); FILAMINOPATHY, AUTOSOMAL DOMINANT. Identifiers: Orphanet 171445, MedGen C1836050, MONDO:0012289, OMIM 609524.

Submission:

Labcorp Genetics (formerly Invitae), Labcorp
Classification: Uncertain significance for Distal myopathy with posterior leg and anterior hand involvement; Myofibrillar myopathy 5; Hypertrophic cardiomyopathy 26. Last evaluated: 2022-01-16. Review status: criteria provided, single submitter. Criteria: Invitae Variant Classification Sherloc (09022015). Collection method: clinical testing. Allele origin: germline.
Comment: This variant is not present in population databases (gnomAD no frequency). This sequence change replaces valine, which is neutral and non-polar, with alanine, which is neutral and non-polar, at codon 2207 of the FLNC protein (p.Val2207Ala). This variant has not been reported in the literature in individuals affected with FLNC-related conditions. In summary, the available evidence is currently insufficient to determine the role of this variant in disease. Therefore, it has been classified as a Variant of Uncertain Significance. Algorithms developed to predict the effect of missense changes on protein structure and function are either unavailable or do not agree on the potential impact of this missense change (SIFT: "Deleterious"; PolyPhen-2: "Benign"; Align-GVGD: "Class C0").